The following is an entry in ClinVar:

NM_001394372.1(BICRA):c.289G>A (p.Ala97Thr)

Gene: BICRA (BRD4 interacting chromatin remodeling complex associated protein; plus strand). Cytogenetic location: 19q13.33.
Variant type: single nucleotide variant.
Coding change: c.289G>A on transcript NM_001394372.1 (MANE Select); coding-DNA position 289, G replaced by A.
Protein change: p.Ala97Thr; replaces alanine 97 with threonine.
Molecular consequence: missense variant.
Genome position (GRCh38, 1-based): chr19:47,679,459, G>A. VCF-style: chr19-47679459-G-A. GRCh37 (hg19) VCF-style: chr19-48182716-G-A.
Other names: c.289G>A, p.Ala97Thr (NM_015711.3); short protein forms A97T.
Identifiers: ClinVar variation 3341741 (VCV003341741.16).

ClinVar aggregate classification (germline): Uncertain significance (1 of 4 stars; one submission).

gnomAD v4.1: 9 of 1,514,620 alleles (0.00059%); highest among the groups gnomAD compares: East Asian, 0.0025%; no homozygotes.

Submission:

CeGaT Center for Human Genetics Tuebingen
Classification: Uncertain significance. Last evaluated: 2024-08-01. Review status: criteria provided, single submitter. Criteria: CeGaT Center For Human Genetics Tuebingen Variant Classification Criteria Version 2. Collection method: clinical testing. Allele origin: germline. Affected: yes. Observed: 1 variant allele.
Comment: BICRA: PP2, BP4